The following is an entry in ClinVar:

NM_015267.4(CUX2):c.1204TTC[1] (p.Phe403del)

Gene: CUX2 (cut like homeobox 2; plus strand). Cytogenetic location: 12q24.12.
Variant type: Microsatellite.
Coding change: c.1204TTC[1] on transcript NM_015267.4 (MANE Select); one copy of the 3-base unit TTC starting at c.1204; the reference has two copies in a row; one copy, 3 bases deleted.
Protein change: p.Phe403del; deletes phenylalanine 403.
Molecular consequence: inframe deletion.
Genome position (GRCh38, 1-based): chr12:111,308,475-111,308,477, TTC deleted; deleting any 3 consecutive bases within chr12:111,308,471-111,308,477 gives the same sequence; the position shown is the placement nearest the transcript's 3' end. VCF-style (leftmost placement, unchanged base first): chr12-111308470-CCTT-C. GRCh37 (hg19) VCF-style: chr12-111746274-CCTT-C.
Other names: c.1207_1209delTTC (NM_015267.3); c.1018TTC[1], p.Phe341del (NM_001370598.1); short protein forms F341del, F403del.
Identifiers: ClinVar variation 1335116 (VCV001335116.38), dbSNP rs748502176, ClinGen allele CA6788618.

ClinVar aggregate classification (germline): Conflicting classifications of pathogenicity. Review status: criteria provided, conflicting classifications (1 of 4 stars). 3 submissions from 3 submitters: Uncertain significance (1); Likely benign (2). Last evaluated 2022-11-01.

Conditions:
Hypertrophic cardiomyopathy. Also called: HYPERTROPHIC MYOCARDIOPATHY. Identifiers: Orphanet 217569, MedGen C0007194, MeSH D002312, MONDO:0005045, HP:0001639.
Inborn genetic diseases. Identifiers: MedGen C0950123, MeSH D030342.

Submissions (3):

CeGaT Center for Human Genetics Tuebingen
Classification: Likely benign. Last evaluated: 2022-11-01. Review status: criteria provided, single submitter. Criteria: CeGaT Center For Human Genetics Tuebingen Variant Classification Criteria Version 2. Collection method: clinical testing. Allele origin: germline. Affected: yes. Observed: 2 variant alleles.
Comment: CUX2: BS1:Supporting, BS2

Ambry Genetics
Classification: Likely benign for Inborn genetic diseases. Last evaluated: 2021-06-17. Review status: criteria provided, single submitter. Criteria: Ambry Variant Classification Scheme 2023. Collection method: clinical testing. Allele origin: germline.

Cambridge Genomics Laboratory, East Genomic Laboratory Hub, NHS Genomic Medicine Service
Classification: Uncertain significance for Hypertrophic cardiomyopathy. Last evaluated: 2020-02-21. Review status: criteria provided, single submitter. Criteria: ACGS Best Practice Guidelines for Variant Classification in Rare Disease 2020. Collection method: clinical testing. Allele origin: germline. Affected: yes. Observed: 1 variant allele.